The following is an entry in ClinVar:

ClinVar aggregate classification (germline): Likely benign. Review status: criteria provided, multiple submitters, no conflicts (2 of 4 stars). 3 submissions from 3 submitters: Likely benign (3). Last evaluated 2026-07-01.

Conditions:
Melnick-Needles syndrome (MNS). Also called: Melnick-Needles Syndrome (FLNA-MNS); MELNICK-NEEDLES OSTEODYSPLASTY; OSTEODYSPLASTY OF MELNICK AND NEEDLES. Identifiers: Orphanet 2484, MedGen C0025237, MONDO:0010650, OMIM 309350.
Oto-palato-digital syndrome, type II (OPD2). Also called: Otopalatodigital Syndrome Type 2 (FLNA-OPD2); Otopalatodigital Syndrome, Type II; FACIOPALATOOSSEOUS SYNDROME; OPD II SYNDROME. Identifiers: Orphanet 669, Orphanet 90652, MedGen C1844696, MONDO:0010571, OMIM 304120.
Heterotopia, periventricular, X-linked dominant (PVNH1). Also called: PERIVENTRICULAR NODULAR HETEROTOPIA 4; HETEROTOPIA, PERIVENTRICULAR, 1; PERIVENTRICULAR NODULAR HETEROTOPIA 1; X-linked periventricular heterotopia. Identifiers: Orphanet 2149, Orphanet 82004, MedGen C1848213, MONDO:0010233, OMIM 300049.
Frontometaphyseal dysplasia (FMD1). Identifiers: Orphanet 1826, MedGen C0265293, MONDO:0015942.
Familial thoracic aortic aneurysm and aortic dissection (TAAD). Also called: Thoracic aortic aneurysms and dissections. Identifiers: Orphanet 91387, MedGen C4707243, MONDO:0019625.

Allele frequency attached by ClinVar (database versions not stated): gnomAD 0.00001 and 0.00002; gnomAD exomes 0.00002 and 0.00014; TOPMed 0.00005; ExAC 0.00009.
gnomAD v4.1: 28 of 1,210,852 alleles (0.0023%); highest among the groups gnomAD compares: East Asian, 0.077%; no homozygotes.

Submissions (3):

CeGaT Center for Human Genetics Tuebingen
Classification: Likely benign. Last evaluated: 2026-07-01. Review status: criteria provided, single submitter. Criteria: CeGaT Center For Human Genetics Tuebingen Variant Classification Criteria Version 2. Collection method: clinical testing. Allele origin: germline. Affected: yes. Observed: 1 variant allele.
Comment: FLNA: BS2

Labcorp Genetics (formerly Invitae), Labcorp
Classification: Likely benign for Oto-palato-digital syndrome, type II; Heterotopia, periventricular, X-linked dominant; Frontometaphyseal dysplasia; Melnick-Needles syndrome. Last evaluated: 2025-12-21. Review status: criteria provided, single submitter. Criteria: Invitae Variant Classification Sherloc (09022015). Collection method: clinical testing. Allele origin: germline.

Ambry Genetics
Classification: Likely benign for Familial thoracic aortic aneurysm and aortic dissection. Last evaluated: 2018-11-19. Review status: criteria provided, single submitter. Criteria: Ambry Variant Classification Scheme 2023. Collection method: clinical testing. Allele origin: germline.

NM_001110556.2(FLNA):c.7504G>A (p.Gly2502Ser)

Gene: FLNA (filamin A; minus strand). Cytogenetic location: Xq28.
Variant type: single nucleotide variant.
Coding change: c.7504G>A on transcript NM_001110556.2 (MANE Select); coding-DNA position 7504, G replaced by A.
Protein change: p.Gly2502Ser; replaces glycine 2502 with serine.
Molecular consequence: missense variant.
Genome position (GRCh38, 1-based): chrX:154,349,697, C>T on the plus strand (G>A on the coding strand, the complement: FLNA is on the minus strand). VCF-style: chrX-154349697-C-T. GRCh37 (hg19) VCF-style: chrX-153578065-C-T.
Other names: c.7480G>A, p.Gly2494Ser (NM_001456.4); short protein forms G2494S, G2502S.
Identifiers: ClinVar variation 1154242 (VCV001154242.12), dbSNP rs782276654, ClinGen allele CA10559885.